The following is an entry in ClinVar:

NM_001035.3(RYR2):c.9559A>T (p.Lys3187Ter)

Gene: RYR2 (ryanodine receptor 2; plus strand). Cytogenetic location: 1q43.
Variant type: single nucleotide variant.
Coding change: c.9559A>T on transcript NM_001035.3 (MANE Select); coding-DNA position 9559, A replaced by T.
Protein change: p.Lys3187Ter; replaces lysine 3187 with a stop codon.
Molecular consequence: nonsense.
Genome position (GRCh38, 1-based): chr1:237,705,322, A>T. VCF-style: chr1-237705322-A-T. GRCh37 (hg19) VCF-style: chr1-237868622-A-T.
Other names: short protein forms K3187*.
Identifiers: ClinVar variation 929099 (VCV000929099.11), dbSNP rs939109036, ClinGen allele CA345407913.

ClinVar aggregate classification (germline): Uncertain significance. Review status: criteria provided, multiple submitters, no conflicts (2 of 4 stars). 2 submissions from 2 submitters: Uncertain significance (2). Last evaluated 2020-09-30.

Conditions:
Catecholaminergic polymorphic ventricular tachycardia 1. Also called: VENTRICULAR TACHYCARDIA, CATECHOLAMINERGIC POLYMORPHIC, 1, WITH OR WITHOUT ATRIAL DYSFUNCTION AND/OR DILATED CARDIOMYOPATHY; VENTRICULAR TACHYCARDIA, STRESS-INDUCED POLYMORPHIC 1; RYR2-Related Catecholaminergic Polymorphic Ventricular Tachycardia. Identifiers: Orphanet 3286, MedGen C1631597, MONDO:0011484, OMIM 604772.

Submissions (2):

Women's Health and Genetics/Laboratory Corporation of America, LabCorp
Classification: Uncertain significance. Last evaluated: 2020-09-30. Review status: criteria provided, single submitter. Criteria: LabCorp Variant Classification Summary - May 2015. Collection method: clinical testing. Allele origin: germline.
Comment: Variant summary: RYR2 c.9559A>T (p.Lys3187X) results in a premature termination codon, predicted to cause a truncation of the encoded protein or absence of the protein due to nonsense mediated decay. The predominant RYR2 mutational spectrum involves missense variants in individuals with Catecholaminergic Polymorphic Ventricular Tachycardia. Therefore, the impact of loss of function variants in RYR2 on disease is not well established. At-least one truncation downstream of this position has been observed at our laboratory. The variant was absent in 235202 control chromosomes. The available data on variant occurrences in the general population are insufficient to allow any conclusion about variant significance. To our knowledge, no occurrence of c.9559A>T in individuals affected with Catecholaminergic Polymorphic Ventricular Tachycardia and no experimental evidence demonstrating its impact on protein function have been reported. One clinical diagnostic laboratory has submitted clinical-significance assessments for this variant to ClinVar after 2014 without evidence for independent evaluation and classified the variant as uncertain significance. Based on the evidence outlined above, the variant was classified as uncertain significance.

Labcorp Genetics (formerly Invitae), Labcorp
Classification: Uncertain significance for Catecholaminergic polymorphic ventricular tachycardia 1. Last evaluated: 2019-07-15. Review status: criteria provided, single submitter. Criteria: Invitae Variant Classification Sherloc (09022015). Collection method: clinical testing. Allele origin: germline.
Comment: This sequence change creates a premature translational stop signal (p.Lys3187*) in the RYR2 gene. It is expected to result in an absent or disrupted protein product. This variant is not present in population databases (ExAC no frequency). This variant has not been reported in the literature in individuals with RYR2-related conditions. The current clinical and genetic evidence is not sufficient to establish whether loss-of-function variants in RYR2 cause disease. In summary, the available evidence is currently insufficient to determine the role of this variant in disease. Therefore, it has been classified as a Variant of Uncertain Significance.